The following is an entry in ClinVar:

ClinVar aggregate classification (germline): Likely pathogenic. Review status: reviewed by expert panel (3 of 4 stars). 4 submissions from 4 submitters: Likely pathogenic (1). 3 of the submissions do not count toward it. Last evaluated 2026-07-13.

Conditions:
Alpha-actinopathy. Also called: Actinopathy. Identifiers: MedGen CN295279, MONDO:0100084.
Actin accumulation myopathy (CMYO2A). Also called: Nemaline myopathy type 3; Myopathy, actin, congenital, with excess of thin myofilaments; Myopathy, actin, congenital, with cores; Nemaline myopathy 3, with intranuclear rods; CONGENITAL MYOPATHY 2A, TYPICAL, AUTOSOMAL DOMINANT. Identifiers: Orphanet 98904, MedGen C3711389, MONDO:0008070, OMIM 161800.

Submissions (4):

ClinGen Congenital Myopathies Variant Curation Expert Panel, ClinGen
Classification: Likely pathogenic for Alpha-actinopathy. Last evaluated: 2026-07-13. Review status: reviewed by expert panel. Criteria: ClinGen CongenMyopathy ACMG Specifications ACTA1_AD_ V2.0.0. Collection method: curation. Allele origin: germline. Inheritance: Autosomal dominant inheritance.
Comment: The NM_001100.4(ACTA1):c.923A>G (p.Tyr308Cys) variant in ACTA1 is a missense variant predicted to cause a substitution of tyrosine by cysteine at amino acid 308. This variant is absent from gnomAD v4.1.1 (PM2_Supporting). The computational predictor REVEL gives a score of 0.898, which is above the threshold of ≥ 0.7, evidence that correlates with impact to ACTA1 function (PP3). ACTA1 has a low rate of benign missense variation and pathogenic missense variants are a common mechanism of disease in the autosomal dominant context as defined by the ClinGen Congenital Myopathies VCEP (PP2). This variant has been identified in the heterozygous state in an individual with a confirmed diagnosis of nemaline myopathy (PP4) (PMID: 32222963). This variant has also been identified in the heterozygous state in individuals with clinical features of myopathy or muscle dystrophy including an affected mother and two children (PP1_Moderate, PS4_Supporting) (PMID: 32222963, VCEP internal contributor). In summary, this variant meets the criteria to be classified as likely pathogenic for autosomal dominant ACTA1-related alpha-actinopathy based on the ACMG/AMP criteria applied, as specified by the ClinGen Congenital Myopathies VCEP: PM2_Supporting, PP3, PP2, PP4, PP1_Moderate, and PS4_Supporting (VCEP Specifications Version 2.0).

Labcorp Genetics (formerly Invitae), Labcorp
Classification: Uncertain significance for Actin accumulation myopathy. Last evaluated: 2023-03-17. Review status: criteria provided, single submitter. Criteria: Invitae Variant Classification Sherloc (09022015). Collection method: clinical testing. Allele origin: germline. Not counted in ClinVar's aggregate classification.
Comment: In summary, the available evidence is currently insufficient to determine the role of this variant in disease. Therefore, it has been classified as a Variant of Uncertain Significance. Advanced modeling of protein sequence and biophysical properties (such as structural, functional, and spatial information, amino acid conservation, physicochemical variation, residue mobility, and thermodynamic stability) performed at Invitae indicates that this missense variant is not expected to disrupt ACTA1 protein function. ClinVar contains an entry for this variant (Variation ID: 224672). This missense change has been observed in individual(s) with clinical features of autosomal dominant ACTA1-related conditions (PMID: 25987458, 27854218, 32222963). This variant is not present in population databases (gnomAD no frequency). This sequence change replaces tyrosine, which is neutral and polar, with cysteine, which is neutral and slightly polar, at codon 308 of the ACTA1 protein (p.Tyr308Cys).

Revvity Omics, Revvity
Classification: Uncertain significance. Last evaluated: 2019-10-16. Review status: criteria provided, single submitter. Criteria: ACMG Guidelines, 2015. Collection method: clinical testing. Allele origin: germline. Not counted in ClinVar's aggregate classification.

Center for Genetic Medicine Research, Children's National Medical Center
Classification: Likely pathogenic for Actin accumulation myopathy. Last evaluated: 2015-12-01. Review status: criteria provided, single submitter. Criteria: Punetha et al. (J Neuromuscul Dis. 2016). Collection method: research. Allele origin: unknown. Affected: yes. Not counted in ClinVar's aggregate classification.

Literature cited by the submitters: PubMed 25987458 (cited by Labcorp Genetics (formerly Invitae), Labcorp); PubMed 27854218 (cited by Labcorp Genetics (formerly Invitae), Labcorp); PubMed 32222963 (cited by Labcorp Genetics (formerly Invitae), Labcorp).

NM_001100.4(ACTA1):c.923A>G (p.Tyr308Cys)

Gene: ACTA1 (actin alpha 1, skeletal muscle; minus strand). Cytogenetic location: 1q42.13.
Variant type: single nucleotide variant.
Coding change: c.923A>G on transcript NM_001100.4 (MANE Select); coding-DNA position 923, A replaced by G.
Protein change: p.Tyr308Cys; replaces tyrosine 308 with cysteine.
Molecular consequence: missense variant.
Genome position (GRCh38, 1-based): chr1:229,431,788, T>C on the plus strand (A>G on the coding strand, the complement: ACTA1 is on the minus strand). VCF-style: chr1-229431788-T-C. GRCh37 (hg19) VCF-style: chr1-229567535-T-C.
Other names: NM_001100.4(ACTA1):c.923A>G; short protein forms Y308C.
Identifiers: ClinVar variation 224672 (VCV000224672.10), dbSNP rs878854374, ClinGen allele CA10575963.
Genomic context (GRCh38, chr1:229,431,788, plus strand): 5'-TTCATGGTGCTGGGTGCCAGCGCGGTGATCTCTTTCTGCATGCGGTCAGCGATCCCAGGG[T>C]ACATCGTGGTGCCCCCCGACATGACGTTGTTGGCATACAGGTCCTTCCTGATGTCGATGT-3'
Protein context (NP_001091.1, residues 298-318): NNVMSGGTTM[Tyr308Cys]PGIADRMQKE